The following is an entry in ClinVar:

NM_032638.5(GATA2):c.374C>A (p.Pro125Gln)

Gene: GATA2 (GATA binding protein 2; minus strand). Cytogenetic location: 3q21.3.
Variant type: single nucleotide variant.
Coding change: c.374C>A on transcript NM_032638.5 (MANE Select); coding-DNA position 374, C replaced by A.
Protein change: p.Pro125Gln; replaces proline 125 with glutamine.
Molecular consequence: missense variant.
Genome position (GRCh38, 1-based): chr3:128,486,224, G>T on the plus strand (C>A on the coding strand, the complement: GATA2 is on the minus strand). VCF-style: chr3-128486224-G-T. GRCh37 (hg19) VCF-style: chr3-128205067-G-T.
Other names: c.374C>A, p.Pro125Gln (NM_001145661.2, NM_001145662.1); short protein forms P125Q.
Identifiers: ClinVar variation 4857872 (VCV004857872.1).

ClinVar aggregate classification (germline): Uncertain significance (1 of 4 stars; one submission).

Conditions:
Inborn genetic diseases. Identifiers: MedGen C0950123, MeSH D030342.

Submission:

Ambry Genetics
Classification: Uncertain significance for Inborn genetic diseases. Last evaluated: 2026-05-19. Review status: criteria provided, single submitter. Criteria: Ambry Variant Classification Scheme 2023. Collection method: clinical testing. Allele origin: germline.
Comment: The p.P125Q variant (also known as c.374C>A), located in coding exon 2 of the GATA2 gene, results from a C to A substitution at nucleotide position 374. The proline at codon 125 is replaced by glutamine, an amino acid with similar properties. This amino acid position is conserved. In addition, the in silico prediction for this alteration is inconclusive. Based on the available evidence, the clinical significance of this variant remains unclear.